The following is an entry in ClinVar:

NC_012920.1(MT-TL2):m.12273A>G

Gene: MT-TL2 (mitochondrially encoded tRNA leucine 2 (CUN); plus strand).
Variant type: single nucleotide variant.
Genome position: chrM-12273-A-G.
Identifiers: ClinVar variation 690180 (VCV000690180.1), dbSNP rs1603223644, ClinGen allele CA913169943.

ClinVar aggregate classification (germline): Likely benign (1 of 4 stars; one submission).

Conditions:
MELAS syndrome (MELAS). Also called: Juvenile myopathy, encephalopathy, lactic acidosis, stroke. Identifiers: Orphanet 550, MedGen C0162671, MONDO:0010789, OMIM 540000.

Submission:

Wong Mito Lab, Molecular and Human Genetics, Baylor College of Medicine
Classification: Likely benign for MELAS syndrome. Last evaluated: 2019-07-12. Review status: criteria provided, single submitter. Criteria: Modified ACMG Guidelines (Unpublished). Collection method: clinical testing. Allele origin: germline.
Comment: The NC_012920.1:m.12273A>G variant in MT-TL2 gene is interpreted to be a Likely Benign variant based on the modified ACMG guidelines (unpublished). This variant meets the following evidence codes reported in the guidelines: BP4, BP6

Literature cited by the submitters: PubMed 31965079.